The following is an entry in ClinVar:

NM_020822.3(KCNT1):c.2527G>T (p.Asp843Tyr)

Gene: KCNT1 (potassium sodium-activated channel subfamily T member 1; plus strand). Cytogenetic location: 9q34.3.
Variant type: single nucleotide variant.
Coding change: c.2527G>T on transcript NM_020822.3 (MANE Select); coding-DNA position 2527, G replaced by T.
Protein change: p.Asp843Tyr; replaces aspartic acid 843 with tyrosine.
Molecular consequence: missense variant.
Genome position (GRCh38, 1-based): chr9:135,778,428, G>T. VCF-style: chr9-135778428-G-T. GRCh37 (hg19) VCF-style: chr9-138670274-G-T.
Other names: c.2392G>T, p.Asp798Tyr (NM_001272003.2); short protein forms D798Y, D843Y.
Identifiers: ClinVar variation 3253461 (VCV003253461.1), dbSNP rs376758763.
Genomic context (GRCh38, chr9:135,778,428, plus strand): 5'-TGAGGAGGGCAGGCCTTGAAGCAGGGTGGGCCCCTCCAGGACCGCTGTCCCCACAGGCCC[G>T]ACCACCACTTCCTGGAAGCCATCTGCTGCTTCCCCATGGTCTACTACATGGAGGGCTCTG-3'
Protein context (NP_065873.2, residues 833-853): PIVLLLDNKP[Asp843Tyr]HHFLEAICCF

ClinVar aggregate classification (germline): Uncertain significance (1 of 4 stars; one submission).

Submission:

GeneDx
Classification: Uncertain significance. Last evaluated: 2023-12-11. Review status: criteria provided, single submitter. Criteria: GeneDx Variant Classification Process June 2021. Collection method: clinical testing. Allele origin: germline. Affected: yes.
Comment: Not observed at significant frequency in large population cohorts (gnomAD); In silico analysis supports that this missense variant has a deleterious effect on protein structure/function; Has not been previously published as pathogenic or benign to our knowledge